The following is an entry in ClinVar:

ClinVar aggregate classification (germline): Uncertain significance (1 of 4 stars; one submission).

Conditions:
Bloom syndrome (BLM). Also called: Bloom-Torre-Machacek syndrome. Identifiers: Orphanet 125, MedGen C0005859, MONDO:0008876, OMIM 210900.

Submission:

Labcorp Genetics (formerly Invitae), Labcorp
Classification: Uncertain significance for Bloom syndrome. Last evaluated: 2023-03-19. Review status: criteria provided, single submitter. Criteria: Invitae Variant Classification Sherloc (09022015). Collection method: clinical testing. Allele origin: germline.
Comment: This sequence change replaces serine, which is neutral and polar, with threonine, which is neutral and polar, at codon 517 of the BLM protein (p.Ser517Thr). This variant is not present in population databases (gnomAD no frequency). This variant has not been reported in the literature in individuals affected with BLM-related conditions. ClinVar contains an entry for this variant (Variation ID: 1497325). Advanced modeling of protein sequence and biophysical properties (such as structural, functional, and spatial information, amino acid conservation, physicochemical variation, residue mobility, and thermodynamic stability) performed at Invitae indicates that this missense variant is not expected to disrupt BLM protein function. In summary, the available evidence is currently insufficient to determine the role of this variant in disease. Therefore, it has been classified as a Variant of Uncertain Significance.

NM_000057.4(BLM):c.1550G>C (p.Ser517Thr)

Gene: BLM (BLM RecQ like helicase; plus strand). Cytogenetic location: 15q26.1.
Variant type: single nucleotide variant.
Coding change: c.1550G>C on transcript NM_000057.4 (MANE Select); coding-DNA position 1550, G replaced by C.
Protein change: p.Ser517Thr; replaces serine 517 with threonine.
Molecular consequence: missense variant.
Genome position (GRCh38, 1-based): chr15:90,760,923, G>C. VCF-style: chr15-90760923-G-C. GRCh37 (hg19) VCF-style: chr15-91304153-G-C.
Other names: c.1550G>C, p.Ser517Thr (NM_001287246.2, NM_001287247.2); c.425G>C, p.Ser142Thr (NM_001287248.2); short protein forms S142T, S517T.
Identifiers: ClinVar variation 1497325 (VCV001497325.8), dbSNP rs2151158461, ClinGen allele CA393843305.